The following is an entry in ClinVar:

ClinVar aggregate classification (germline): Pathogenic (1 of 4 stars; one submission).

Conditions:
Maple syrup urine disease type 2 (MSUD2). Also called: Maple syrup urine disease, type II. Identifiers: MedGen C1855371, MONDO:0023693, OMIM 620699.

Submission:

3billion
Classification: Pathogenic for Maple syrup urine disease type 2. Last evaluated: 2024-07-23. Review status: criteria provided, single submitter. Criteria: ACMG Guidelines, 2015. Collection method: clinical testing. Allele origin: germline. Affected: yes.
Comment: The variant is not observed in the gnomAD v4.0.0 dataset. Predicted Consequence/Location: Canonical splice site: predicted to alter splicing and result in a loss or disruption of normal protein function. Multiple pathogenic loss-of-function variants are reported downstream of the variant. In silico tools predict the variant to alter splicing and produce an abnormal transcript [SpliceAI: 0.94 (spliceogenicity >=0.2, non-spliceogenicity <0.1)]. Therefore, this variant is classified as Pathogenic according to the recommendation of ACMG/AMP guideline.

NM_001918.5(DBT):c.939+2T>C

Gene: DBT (dihydrolipoamide branched chain transacylase E2; minus strand). Cytogenetic location: 1p21.2.
Variant type: single nucleotide variant.
Coding change: c.939+2T>C on transcript NM_001918.5 (MANE Select); the canonical splice donor site of the intron after coding-DNA position 939, T replaced by C.
Molecular consequence: splice donor variant.
Genome position (GRCh38, 1-based): chr1:100,214,815, A>G on the plus strand (T>C on the coding strand, the complement: DBT is on the minus strand). VCF-style: chr1-100214815-A-G. GRCh37 (hg19) VCF-style: chr1-100680371-A-G.
Other names: c.396+2T>C (NM_001399972.1, NM_001399969.1).
Identifiers: ClinVar variation 4293857 (VCV004293857.1).